The following is an entry in ClinVar:

ClinVar aggregate classification (germline): Pathogenic (1 of 4 stars; one submission).

Conditions:
Axenfeld-Rieger syndrome type 3 (RIEG3). Also called: AXENFELD-RIEGER ANOMALY WITH CARDIAC DEFECTS AND/OR SENSORINEURAL HEARING LOSS. Identifiers: Orphanet 782, MedGen C2678503, MONDO:0011233, OMIM 602482.

Submission:

Labcorp Genetics (formerly Invitae), Labcorp
Classification: Pathogenic for Axenfeld-Rieger syndrome type 3. Last evaluated: 2022-09-14. Review status: criteria provided, single submitter. Criteria: Invitae Variant Classification Sherloc (09022015). Collection method: clinical testing. Allele origin: germline.
Comment: This variant has not been reported in the literature in individuals affected with FOXC1-related conditions. This sequence change creates a premature translational stop signal (p.Val46Argfs*37) in the FOXC1 gene. While this is not anticipated to result in nonsense mediated decay, it is expected to disrupt the last 508 amino acid(s) of the FOXC1 protein. This variant is not present in population databases (gnomAD no frequency). This variant disrupts a region of the FOXC1 protein in which other variant(s) (p.Gln467*) have been determined to be pathogenic (PMID: 32499604; Invitae). This suggests that this is a clinically significant region of the protein, and that variants that disrupt it are likely to be disease-causing. For these reasons, this variant has been classified as Pathogenic.

Literature cited by the submitters: PubMed 32499604.

NM_001453.3(FOXC1):c.135dup (p.Val46fs)

Gene: FOXC1 (forkhead box C1; plus strand). Cytogenetic location: 6p25.3.
Variant type: Duplication.
Coding change: c.135dup on transcript NM_001453.3 (MANE Select); coding-DNA position 135, one base duplicated (C; older notation c.135dupC).
Protein change: p.Val46fs; shifts the reading frame from valine 46.
Molecular consequence: frameshift variant.
Genome position (GRCh38, 1-based): chr6:1,610,580, C duplicated. VCF-style (leftmost placement, unchanged base first): chr6-1610579-G-GC. GRCh37 (hg19) VCF-style: chr6-1610814-G-GC.
Other names: short protein forms V46fs.
Identifiers: ClinVar variation 2024333 (VCV002024333.4), dbSNP rs2480501614, ClinGen allele CA2580074184.
Genomic context (GRCh38, chr6:1,610,579, plus strand): 5'-ACTACCGCGCGGCGGCCGCGGCGGCCGGGGGCGGCTACACCGCCATGCCGGCCCCCATGA[G>GC]CGTGTACTCGCACCCTGCGCACGCCGAGCAGTACCCGGGCGGCATGGCCCGCGCCTACGG-3'